The following is an entry in ClinVar:

ClinVar aggregate classification (germline): Pathogenic/Likely pathogenic. Review status: criteria provided, multiple submitters, no conflicts (2 of 4 stars). 5 submissions from 5 submitters: Pathogenic (1); Likely pathogenic (3). 1 of the submissions does not count toward it. Last evaluated 2025-07-15.

Conditions:
Medulloblastoma (MDB). Also called: MEDULLOBLASTOMA PREDISPOSITION SYNDROME; Medulloblastoma, somatic. Identifiers: Orphanet 616, MedGen C0025149, MeSH D008527, MONDO:0007959, OMIM 155255, HP:0002885.
Familial dysautonomia. Also called: HSAN III; FD. Identifiers: Orphanet 1764, MedGen C0013364, MONDO:0009131, OMIM 223900. Disease mechanism: loss of function.

Submissions (5):

Natera, Inc.
Classification: Likely pathogenic for Familial dysautonomia. Last evaluated: 2025-07-15. Review status: criteria provided, single submitter. Criteria: Natera Variant Classification Schema (03/2026). Collection method: clinical testing. Allele origin: germline.
Comment: The c.3643dupG variant in ELP1 is a frameshift variant predicted to shift the reading frame beginning at codon 1215 and leads to a stop codon 10 codons downstream. This variant is expected to result in nonsense mediated decay, truncation, or a dysfunctional protein product. This variant is rare in the general population with a frequency below the threshold expected for the associated phenotype(s). Given the available evidence, this variant is classified as Likely Pathogenic.

Fulgent Genetics
Classification: Likely pathogenic for Medulloblastoma; Familial dysautonomia. Last evaluated: 2024-02-29. Review status: criteria provided, single submitter. Criteria: ACMG Guidelines, 2015. Collection method: clinical testing. Allele origin: germline.

Labcorp Genetics (formerly Invitae), Labcorp
Classification: Pathogenic. Last evaluated: 2023-03-18. Review status: criteria provided, single submitter. Criteria: Invitae Variant Classification Sherloc (09022015). Collection method: clinical testing. Allele origin: germline.
Comment: This variant has not been reported in the literature in individuals affected with ELP1-related conditions. For these reasons, this variant has been classified as Pathogenic. ClinVar contains an entry for this variant (Variation ID: 496211). This variant is present in population databases (rs781333644, gnomAD 0.003%). This sequence change creates a premature translational stop signal (p.Asp1215Glyfs*10) in the ELP1 gene. It is expected to result in an absent or disrupted protein product. Loss-of-function variants in ELP1 are known to be pathogenic (PMID: 18303054, 24173031).

Women's Health and Genetics/Laboratory Corporation of America, LabCorp
Classification: Likely pathogenic for Familial dysautonomia. Last evaluated: 2017-03-27. Review status: criteria provided, single submitter. Criteria: LabCorp Variant Classification Summary - May 2015. Collection method: clinical testing. Allele origin: germline.
Comment: Variant summary: The IKBKAP c.3643dupG (p.Asp1215Glyfs) variant results in a premature termination codon, predicted to cause a truncated or absent IKBKAP protein due to nonsense mediated decay, which are commonly known mechanisms for disease. One in silico tool predicts a damaging outcome for this variant. This variant was found in 1/121412 control chromosomes at a frequency of 0.0000082, which does not exceed the estimated maximal expected allele frequency of a pathogenic IKBKAP variant (0.001838). The variant of interest has not, to our knowledge, been reported in affected individuals via publications and/or reputable databases/clinical diagnostic laboratories; nor evaluated for functional impact by in vivo/vitro studies. Taken together, this variant is classified as likely pathogenic.

Counsyl
Classification: Likely pathogenic for Familial dysautonomia. Last evaluated: 2016-12-21. Review status: no assertion criteria provided. Collection method: clinical testing. Allele origin: unknown. Not counted in ClinVar's aggregate classification.

Literature cited by the submitters: PubMed 18303054 (cited by Labcorp Genetics (formerly Invitae), Labcorp); PubMed 24173031 (cited by Labcorp Genetics (formerly Invitae), Labcorp).

NM_003640.5(ELP1):c.3643dup (p.Asp1215fs)

Gene: ELP1 (elongator acetyltransferase complex subunit 1; minus strand). Cytogenetic location: 9q31.3.
Variant type: Duplication.
Coding change: c.3643dup on transcript NM_003640.5 (MANE Select); coding-DNA position 3643, one base duplicated (G; older notation c.3643dupG).
Protein change: p.Asp1215fs; shifts the reading frame from aspartic acid 1215.
Molecular consequence: frameshift variant.
Genome position (GRCh38, 1-based): chr9:108,878,680, C duplicated on the plus strand (G on the coding strand, the reverse complement: ELP1 is on the minus strand); the first of 2 consecutive C bases (chr9:108,878,680-108,878,681); duplicating either gives the same sequence. VCF-style (leftmost placement, unchanged base first): chr9-108878679-T-TC. GRCh37 (hg19) VCF-style: chr9-111640959-T-TC.
Other names: c.3643dupG (NM_003640.3, NM_003640.4); c.3301dup, p.Asp1101fs (NM_001318360.2); c.2596dup, p.Asp866fs (NM_001330749.2); c.3643dup (LRG_251t1); short protein forms D1101fs, D866fs, D1215fs.
Identifiers: ClinVar variation 496211 (VCV000496211.12), dbSNP rs781333644, ClinGen allele CA5174223.